The following is an entry in ClinVar:

NM_203447.4(DOCK8):c.4627-85T>C

Gene: DOCK8 (dedicator of cytokinesis 8; plus strand). Cytogenetic location: 9p24.3.
Variant type: single nucleotide variant.
Coding change: c.4627-85T>C on transcript NM_203447.4 (MANE Select); 85 bases into the intron before coding-DNA position 4627, T replaced by C.
Molecular consequence: intron variant.
Genome position (GRCh38, 1-based): chr9:432,081, T>C. VCF-style: chr9-432081-T-C. GRCh37 (hg19) VCF-style: chr9-432081-T-C.
Other names: c.4423-85T>C (NM_001193536.2); c.4327-85T>C (NM_001190458.2).
Identifiers: ClinVar variation 1185300 (VCV001185300.7), dbSNP rs1329377, ClinGen allele CA13041963.
Genomic context (GRCh38, chr9:432,081, plus strand): 5'-CATTTCATTGAGAGAAGAGGAAATAATTAAGACGGGGCAAAGGAAACACTGAGGAGTTGT[T>C]TGTGTCTGGCCATGCTGCTTTCAGTTATCTACTGCTAAGTGTGTCTTATTTACTTCATCT-3'

ClinVar aggregate classification (germline): Benign. Review status: criteria provided, multiple submitters, no conflicts (2 of 4 stars). 4 submissions from 4 submitters: Benign (4). Last evaluated 2024-01-24.

Conditions:
Combined immunodeficiency due to DOCK8 deficiency (HIES2). Also called: Hyper-IgE recurrent infection syndrome, autosomal recessive; HYPER-IgE SYNDROME 2, AUTOSOMAL RECESSIVE, WITH RECURRENT INFECTIONS; HIES autosomal recessive; HYPER-IgE RECURRENT INFECTION SYNDROME 2, AUTOSOMAL RECESSIVE; DOCK8 Deficiency. Identifiers: Orphanet 217390, MedGen C4722305, MONDO:0009478, OMIM 243700.

Allele frequency attached by ClinVar (database versions not stated): gnomAD 0.68824 and 0.69549; TOPMed 0.68971; 1000 Genomes Project 30x 0.70846; 1000 Genomes Project 0.71565; gnomAD exomes 0.76435.
gnomAD v4.1: 1,076,049 of 1,422,016 alleles (76%); highest among the groups gnomAD compares: East Asian, 98%; 411,716 homozygotes.

Submissions (4):

Unidad de Genómica Garrahan, Hospital de Pediatría Garrahan
Classification: Benign. Last evaluated: 2024-01-24. Review status: criteria provided, single submitter. Criteria: ACMG Guidelines, 2015. Collection method: clinical testing. Allele origin: germline. Affected: no. Observed: 42 variant alleles.
Comment: This variant is classified as Benign based on local population frequency. This variant was detected in 44% of patients studied by a panel of primary immunodeficiencies. Number of patients: 42. Only high quality variants are reported.

Genome-Nilou Lab
Classification: Benign for Combined immunodeficiency due to DOCK8 deficiency. Last evaluated: 2021-07-14. Review status: criteria provided, single submitter. Criteria: ACMG Guidelines, 2015. Collection method: clinical testing. Allele origin: germline. Affected: no.

GeneDx
Classification: Benign. Last evaluated: 2018-06-26. Review status: criteria provided, single submitter. Criteria: GeneDx Variant Classification Process June 2021. Collection method: clinical testing. Allele origin: germline. Affected: yes.

Breakthrough Genomics
Classification: Benign. Review status: criteria provided, single submitter. Criteria: ACMG Guidelines, 2015. Collection method: not provided. Allele origin: germline. Inheritance: Autosomal recessive inheritance. Affected: yes.